The following is an entry in ClinVar:

NM_000094.4(COL7A1):c.8234G>A (p.Arg2745Gln)

Gene: COL7A1 (collagen type VII alpha 1 chain; minus strand). Cytogenetic location: 3p21.31.
Variant type: single nucleotide variant.
Coding change: c.8234G>A on transcript NM_000094.4 (MANE Select); coding-DNA position 8234, G replaced by A.
Protein change: p.Arg2745Gln; replaces arginine 2745 with glutamine.
Molecular consequence: missense variant.
Genome position (GRCh38, 1-based): chr3:48,566,730, C>T on the plus strand (G>A on the coding strand, the complement: COL7A1 is on the minus strand). VCF-style: chr3-48566730-C-T. GRCh37 (hg19) VCF-style: chr3-48604163-C-T.
Other names: short protein forms R2745Q.
Identifiers: ClinVar variation 805756 (VCV000805756.16), dbSNP rs377182638, ClinGen allele CA2378111.
Genomic context (GRCh38, chr3:48,566,730, plus strand): 5'-CTCTCGCCAGGAGCTCCAGGGACCCCAGGAGCCCCCACCACTCTCTCTCCGGGGGGACCT[C>T]GCTCACCCTGTCAGACACAGGGACCAAGTGAGCAGGGTCAGAGGCAGTGGGGATCAGAGT-3'
Protein context (NP_000085.1, residues 2735-2755): PEGLQGQKGE[Arg2745Gln]GPPGERVVGA

ClinVar aggregate classification (germline): Likely pathogenic. Review status: criteria provided, multiple submitters, no conflicts (2 of 4 stars). 6 submissions from 6 submitters: Likely pathogenic (6). Last evaluated 2026-01-20.

Conditions:
Pretibial dystrophic epidermolysis bullosa. Also called: EPIDERMOLYSIS BULLOSA DYSTROPHICA, PRETIBIAL; Pretibial epidermolysis bullosa; Pretibial blistering. Identifiers: Orphanet 79410, MedGen C0432321, MONDO:0007552, OMIM 131850, HP:0012221.
Dominant dystrophic epidermolysis bullosa with absence of skin. Also called: EPIDERMOLYSIS BULLOSA WITH CONGENITAL LOCALIZED ABSENCE OF SKIN AND DEFORMITY OF NAILS; EPIDERMOLYSIS BULLOSA DYSTROPHICA, BART TYPE. Identifiers: MedGen C0268371, MONDO:0007557, OMIM 132000.
Generalized dominant dystrophic epidermolysis bullosa (DDEB). Also called: Dominant DEB (DDEB); DDEB, generalized; DDEB-gen; DYSTROPHIC EPIDERMOLYSIS BULLOSA, AUTOSOMAL DOMINANT; Epidermolysis bullosa dystrophica, autosomal dominant. Identifiers: Orphanet 231568, MedGen C0432322, MONDO:0007549, OMIM 131750.
Epidermolysis bullosa pruriginosa. Also called: DEB, PRURIGINOSA; DYSTROPHIC EPIDERMOLYSIS BULLOSA PRURIGINOSA. Identifiers: Orphanet 89843, MedGen C1275114, MONDO:0011398, OMIM 604129.
Recessive dystrophic epidermolysis bullosa (RDEB). Also called: severe generalized recessive dystrophic epidermolysis bullosa; Recessive DEB (RDEB); Hallopeau-Siemens Disease; epidermolysis bullosa dystrophica, autosomal recessive; DYSTROPHIC EPIDERMOLYSIS BULLOSA, AUTOSOMAL RECESSIVE; EPIDERMOLYSIS BULLOSA DYSTROPHICA, HALLOPEAU-SIEMENS TYPE. Identifiers: Orphanet 79408, Orphanet 79409, MedGen C0079474, MONDO:0009179, OMIM 226600.
Nonsyndromic congenital nail disorder 8. Also called: TOENAIL DYSTROPHY, ISOLATED. Identifiers: MedGen C1843761, MONDO:0011852, OMIM 607523.
Transient bullous dermolysis of the newborn (TBDN). Also called: EPIDERMOLYSIS BULLOSA DYSTROPHICA, NEONATAL FORM; DYSTROPHIC EPIDERMOLYSIS BULLOSA, NEONATAL. Identifiers: Orphanet 79411, MedGen C1851573, MONDO:0007548, OMIM 131705.
Epidermolysis bullosa dystrophica. Also called: Dystrophic epidermolysis bullosa; Dystrophic epidermolysis bullosa, Hallopeau-Siemens type (formerly). Identifiers: Orphanet 303, MedGen C0079294, MONDO:0006543.

Allele frequency attached by ClinVar (database versions not stated): gnomAD 0.00001 and 0.00003; TOPMed 0.00001; ExAC 0.00002; gnomAD exomes 0.00002; ESP Exome Variant Server 0.00015.
gnomAD v4.1: 35 of 1,613,706 alleles (0.0022%); highest among the groups gnomAD compares: South Asian, 0.021%; no homozygotes.

Submissions (6):

Labcorp Genetics (formerly Invitae), Labcorp
Classification: Likely pathogenic. Last evaluated: 2026-01-20. Review status: criteria provided, single submitter. Criteria: Invitae Variant Classification Sherloc (09022015). Collection method: clinical testing. Allele origin: germline.
Comment: This sequence change replaces arginine, which is basic and polar, with glutamine, which is neutral and polar, at codon 2745 of the COL7A1 protein (p.Arg2745Gln). This variant is present in population databases (rs377182638, gnomAD 0.01%). This missense change has been observed in individual(s) with autosomal recessive dystrophic epidermolysis bullosa (PMID: 35598269). In at least one individual the data is consistent with being in trans (on the opposite chromosome) from a pathogenic variant. It has also been observed to segregate with disease in related individuals. This variant has been reported in individual(s) with autosomal dominant dystrophic epidermolysis bullosa (PMID: 34597860); however, the role of the variant in this condition is currently unclear. ClinVar contains an entry for this variant (Variation ID: 805756). Invitae Evidence Modeling of protein sequence and biophysical properties (such as structural, functional, and spatial information, amino acid conservation, physicochemical variation, residue mobility, and thermodynamic stability) has been performed for this missense variant. However, the output from this modeling did not meet the statistical confidence thresholds required to predict the impact of this variant on COL7A1 protein function. In summary, the currently available evidence indicates that the variant is pathogenic, but additional data are needed to prove that conclusively. Therefore, this variant has been classified as Likely Pathogenic.

Natera, Inc.
Classification: Likely pathogenic for Dystrophic epidermolysis bullosa. Last evaluated: 2025-06-26. Review status: criteria provided, single submitter. Criteria: Natera Variant Classification Schema (03/2026). Collection method: clinical testing. Allele origin: germline.
Comment: The c.8234G>A variant in COL7A1 is a missense variant predicted to cause substitution of arginine to glutamine at amino acid 2745. This variant is rare in the general population with a frequency below the threshold expected for the associated phenotype(s). This variant has been observed in one or more individuals affected with the associated recessive disease, as either homozygous or compound heterozygous with a second variant (PMID: 36287101, 35598269). Additionally, this variant has been observed to segregate in affected family members (PMID: 35598269). Computational prediction algorithms indicate this variant is likely to affect gene or protein function. Given the available evidence, this variant is classified as Likely Pathogenic.

Diagnostics Services (NGS), CSIR - Centre For Cellular And Molecular Biology
Classification: Likely pathogenic for Recessive dystrophic epidermolysis bullosa; Epidermolysis bullosa pruriginosa; Pretibial dystrophic epidermolysis bullosa. Last evaluated: 2025-05-20. Review status: criteria provided, single submitter. Criteria: ACMG Guidelines, 2015. Collection method: clinical testing. Allele origin: unknown. Inheritance: Autosomal recessive inheritance. Affected: no. Observed: 1 heterozygote.
Comment: The c.8234G>A variant is not present in publicly available 1000 Genomes database. However it is present in Exome Variant Server (EVS), Exome Aggregation Consortium (ExAC), Genome Aggregation Database (gnomAD) and dbSNP at a very low frequency, only in the heterozygous state (MAF <=0.0002). This variant has been observed in individual(s) with autosomal recessive dystrophic epidermolysis bullosa (PMID: 35598269) and autosomal dominant dystrophic epidermolysis bullosa (PMID: 34597860). In-silico pathogenicity prediction programs like Polyphen, MutationTaster2, CADD etc. predicted this variant as likely deleterious however these predictions were not confirmed by published functional studies.

Fulgent Genetics
Classification: Likely pathogenic for Transient bullous dermolysis of the newborn; Generalized dominant dystrophic epidermolysis bullosa; Pretibial dystrophic epidermolysis bullosa; Dominant dystrophic epidermolysis bullosa with absence of skin; Recessive dystrophic epidermolysis bullosa; Epidermolysis bullosa pruriginosa; Nonsyndromic congenital nail disorder 8. Last evaluated: 2024-06-06. Review status: criteria provided, single submitter. Criteria: ACMG Guidelines, 2015. Collection method: clinical testing. Allele origin: germline.

Juno Genomics, Hangzhou Juno Genomics, Inc
Classification: Likely pathogenic for Recessive dystrophic epidermolysis bullosa. Review status: criteria provided, single submitter. Criteria: ACMG Guidelines, 2015. Collection method: clinical testing. Allele origin: germline.
Comment: Absent from controls (or at extremely low frequency if recessive) in Genome Aggregation Database.;Missense variant in a gene that has a low rate of benign missense variation.;For recessive disorders, detected in trans with a pathogenic variant.;Patient's phenotype or family history is highly specific for a disease with a single genetic etiology.;Co-segregation with disease in multiple affected family members.

Kasturba Medical College, Manipal, Kasturba Medical College, Manipal, Manipal Academy of Higher Education, Manipal, India
Classification: Likely pathogenic for Epidermolysis bullosa pruriginosa. Review status: criteria provided, single submitter. Criteria: ACMG Guidelines, 2015. Collection method: clinical testing. Allele origin: maternal. Inheritance: Autosomal recessive inheritance. Affected: yes. Observed: 1 compound heterozygote.

Literature cited by the submitters: PubMed 35598269 (cited by 3 submitters); PubMed 34597860 (cited by Labcorp Genetics (formerly Invitae), Labcorp and Diagnostics Services (NGS), CSIR - Centre For Cellular And Molecular Biology); PubMed 36287101 (cited by Natera, Inc.); DOI 10.3760/cma.j.cn511374-20201203-00842 (cited by Kasturba Medical College, Manipal, Kasturba Medical College, Manipal, Manipal Academy of Higher Education, Manipal, India).